The following is an entry in ClinVar:

ClinVar aggregate classification (germline): Uncertain significance (1 of 4 stars; one submission).

Conditions:
RASopathy. Also called: Noonan spectrum disorder; rasopathies. Identifiers: Orphanet 536391, MedGen C5555857, MONDO:0021060.

Allele frequency attached by ClinVar (database versions not stated): gnomAD exomes below 0.00001; TOPMed below 0.00001; ExAC 0.00001; gnomAD 0.00001.
gnomAD v4.1: 3 of 1,608,086 alleles (0.00019%); highest among the groups gnomAD compares: Admixed American, 0.0017%; no homozygotes.

Submission:

Labcorp Genetics (formerly Invitae), Labcorp
Classification: Uncertain significance for RASopathy. Last evaluated: 2025-04-11. Review status: criteria provided, single submitter. Criteria: Invitae Variant Classification Sherloc (09022015). Collection method: clinical testing. Allele origin: germline.
Comment: This sequence change falls in intron 3 of the NRAS gene. It does not directly change the encoded amino acid sequence of the NRAS protein. It affects a nucleotide within the consensus splice site. This variant is present in population databases (rs767679721, gnomAD 0.0009%). This variant has not been reported in the literature in individuals affected with NRAS-related conditions. ClinVar contains an entry for this variant (Variation ID: 848828). Variants that disrupt the consensus splice site are a relatively common cause of aberrant splicing (PMID: 17576681, 9536098). Algorithms developed to predict the effect of sequence changes on RNA splicing suggest that this variant is not likely to affect RNA splicing. In summary, the available evidence is currently insufficient to determine the role of this variant in disease. Therefore, it has been classified as a Variant of Uncertain Significance.

Literature cited by the submitters: PubMed 17576681; PubMed 9536098.

NM_002524.5(NRAS):c.291-3T>C

Gene: NRAS (NRAS proto-oncogene, GTPase; minus strand). Cytogenetic location: 1p13.2.
Variant type: single nucleotide variant.
Coding change: c.291-3T>C on transcript NM_002524.5 (MANE Select); 3 bases into the intron before coding-DNA position 291, T replaced by C.
Molecular consequence: intron variant.
Genome position (GRCh38, 1-based): chr1:114,709,731, A>G on the plus strand (T>C on the coding strand, the complement: NRAS is on the minus strand). VCF-style: chr1-114709731-A-G. GRCh37 (hg19) VCF-style: chr1-115252352-A-G.
Identifiers: ClinVar variation 848828 (VCV000848828.9), dbSNP rs767679721, ClinGen allele CA1020729.